The following is an entry in ClinVar:

ClinVar aggregate classification (germline): Pathogenic (1 of 4 stars; one submission).

Submission:

GeneDx
Classification: Pathogenic. Last evaluated: 2025-04-30. Review status: criteria provided, single submitter. Criteria: GeneDx Variant Classification Process June 2021. Collection method: clinical testing. Allele origin: germline. Affected: yes.
Comment: Nonsense variant predicted to result in protein truncation or nonsense mediated decay in a gene for which loss of function is a known mechanism of disease; Not observed at significant frequency in large population cohorts (gnomAD); Has not been previously published as pathogenic or benign to our knowledge

NM_001128.6(AP1G1):c.610C>T (p.Arg204Ter)

Gene: AP1G1 (adaptor related protein complex 1 subunit gamma 1; minus strand). Cytogenetic location: 16q22.2.
Variant type: single nucleotide variant.
Coding change: c.610C>T on transcript NM_001128.6 (MANE Select); coding-DNA position 610, C replaced by T.
Protein change: p.Arg204Ter; replaces arginine 204 with a stop codon.
Molecular consequence: nonsense.
Genome position (GRCh38, 1-based): chr16:71,769,655, G>A on the plus strand (C>T on the coding strand, the complement: AP1G1 is on the minus strand). VCF-style: chr16-71769655-G-A. GRCh37 (hg19) VCF-style: chr16-71803558-G-A.
Other names: c.610C>T, p.Arg204Ter (NM_001030007.2); short protein forms R204*.
Identifiers: ClinVar variation 4527877 (VCV004527877.1).